The following is an entry in ClinVar:

NM_031885.5(BBS2):c.1922del (p.Lys641fs)

Gene: BBS2 (Bardet-Biedl syndrome 2; minus strand). Cytogenetic location: 16q13.
Variant type: Deletion.
Coding change: c.1922del on transcript NM_031885.5 (MANE Select); coding-DNA position 1922, one base deleted (A; older notation c.1922delA).
Protein change: p.Lys641fs; shifts the reading frame from lysine 641.
Molecular consequence: frameshift variant. On other transcripts: non-coding transcript variant (5).
Genome position (GRCh38, 1-based): chr16:56,485,727, T deleted on the plus strand (A on the coding strand, the reverse complement: BBS2 is on the minus strand); the first of 2 consecutive T bases (chr16:56,485,727-56,485,728); deleting either gives the same sequence. VCF-style (leftmost placement, unchanged base first): chr16-56485726-CT-C. GRCh37 (hg19) VCF-style: chr16-56519638-CT-C.
Other names: c.1922del, p.Lys641fs (NM_001377456.1); short protein forms K641fs.
Identifiers: ClinVar variation 2045893 (VCV002045893.4), dbSNP rs2543672636, ClinGen allele CA2580091652.

ClinVar aggregate classification (germline): Pathogenic (1 of 4 stars; one submission).

Conditions:
Bardet-Biedl syndrome (BBS). Identifiers: Orphanet 110, MedGen C0752166, MONDO:0015229.

Submission:

Labcorp Genetics (formerly Invitae), Labcorp
Classification: Pathogenic for Bardet-Biedl syndrome. Last evaluated: 2021-12-18. Review status: criteria provided, single submitter. Criteria: Invitae Variant Classification Sherloc (09022015). Collection method: clinical testing. Allele origin: germline.
Comment: For these reasons, this variant has been classified as Pathogenic. This variant has not been reported in the literature in individuals affected with BBS2-related conditions. This variant is not present in population databases (gnomAD no frequency). This sequence change creates a premature translational stop signal (p.Lys641Argfs*15) in the BBS2 gene. It is expected to result in an absent or disrupted protein product. Loss-of-function variants in BBS2 are known to be pathogenic (PMID: 11285252, 20177705, 24608809, 26518167).

Literature cited by the submitters: PubMed 11285252; PubMed 20177705; PubMed 24608809; PubMed 26518167.